The following is an entry in ClinVar:

NM_024675.4(PALB2):c.2456A>C (p.Lys819Thr)

Gene: PALB2 (partner and localizer of BRCA2; minus strand). Cytogenetic location: 16p12.2.
Variant type: single nucleotide variant.
Coding change: c.2456A>C on transcript NM_024675.4 (MANE Select); coding-DNA position 2456, A replaced by C.
Protein change: p.Lys819Thr; replaces lysine 819 with threonine.
Molecular consequence: missense variant. On other transcripts: intron variant (1).
Genome position (GRCh38, 1-based): chr16:23,629,698, T>G on the plus strand (A>C on the coding strand, the complement: PALB2 is on the minus strand). VCF-style: chr16-23629698-T-G. GRCh37 (hg19) VCF-style: chr16-23641019-T-G.
Other names: c.2396A>C, p.Lys799Thr (NM_001407296.1); c.2456A>C, p.Lys819Thr (NM_001407297.1, NM_001407298.1, NM_001407299.1 and 3 more transcripts); c.1571A>C, p.Lys524Thr (NM_001407304.1, NM_001407305.1, NM_001407306.1 and 5 more transcripts); c.668A>C, p.Lys223Thr (NM_001407312.1, NM_001407313.1); c.49-423A>C (NM_001407314.1); short protein forms K799T, K223T, K524T, K819T.
Identifiers: ClinVar variation 2774003 (VCV002774003.2), dbSNP rs587778585, ClinGen allele CA395124139.
Genomic context (GRCh38, chr16:23,629,698, plus strand): 5'-ACCTGTTCGACGGAATGTTTATGCAGCTCCTGGCATGTGTTTCTACAGAGCTGATTTTCT[T>G]TAAAAGTGAATGACTCAATGGGTGGAGGTGTTCCTGGCGGGACAGAGTCACAGTCACAGG-3'
Protein context (NP_078951.2, residues 809-829): TPPPIESFTF[Lys819Thr]ENQLCRNTCQ

ClinVar aggregate classification (germline): Uncertain significance (1 of 4 stars; one submission).

Conditions:
Hereditary cancer-predisposing syndrome. Also called: Hereditary neoplastic syndrome; Hereditary Cancer Syndrome; Neoplastic Syndromes, Hereditary; Tumor predisposition. Identifiers: Orphanet 140162, MedGen C0027672, MeSH D009386, MONDO:0015356.

Submission:

Color Diagnostics, LLC DBA Color Health
Classification: Uncertain significance for Hereditary cancer-predisposing syndrome. Last evaluated: 2022-05-31. Review status: criteria provided, single submitter. Criteria: ACMG Guidelines, 2015. Collection method: clinical testing. Allele origin: germline.
Comment: This missense variant replaces lysine with threonine at codon 819 of the PALB2 protein. Computational prediction suggests that this variant may not impact protein structure and function (internally defined REVEL score threshold <= 0.5, PMID: 27666373). To our knowledge, functional studies have not been reported for this variant. This variant has not been reported in individuals affected with hereditary cancer in the literature. This variant has not been identified in the general population by the Genome Aggregation Database (gnomAD). The available evidence is insufficient to determine the role of this variant in disease conclusively. Therefore, this variant is classified as a Variant of Uncertain Significance.